The following is an entry in ClinVar:

NM_052942.5(GBP5):c.502_505dup (p.Ser169Ter)

Gene: GBP5 (guanylate binding protein 5; minus strand). Cytogenetic location: 1p22.2.
Variant type: Duplication.
Coding change: c.502_505dup on transcript NM_052942.5 (MANE Select); coding-DNA positions 502 to 505, 4 bases duplicated (GACT; older notation c.502_505dupGACT).
Protein change: p.Ser169Ter; replaces serine 169 with a stop codon.
Molecular consequence: nonsense.
Genome position (GRCh38, 1-based): chr1:89,267,077-89,267,080, AGTC duplicated on the plus strand (GACT on the coding strand, the reverse complement: GBP5 is on the minus strand); duplicating any 4 consecutive bases within chr1:89,267,077-89,267,082 gives the same sequence; the c. name uses the placement nearest the transcript's 3' end. VCF-style (leftmost placement, unchanged base first): chr1-89267076-G-GAGTC. GRCh37 (hg19) VCF-style: chr1-89732759-G-GAGTC.
Other names: c.502_505dup, p.Ser169Ter (NM_001134486.4, NM_001391920.1); short protein forms S169*.
Identifiers: ClinVar variation 982609 (VCV000982609.1), dbSNP rs540327216, ClinGen allele CA942226.

ClinVar aggregate classification (germline): Uncertain significance (1 of 4 stars; one submission).

Conditions:
Neurodevelopmental disorder. Identifiers: MedGen C1535926, MeSH D065886, MONDO:0700092.

Submission:

Institute of Human Genetics, University of Leipzig Medical Center
Classification: Uncertain significance for Neurodevelopmental disorder. Last evaluated: 2019-01-01. Review status: criteria provided, single submitter. Criteria: ACMG Guidelines, 2015. Collection method: clinical testing. Allele origin: unknown. Affected: yes.
Comment: This variant was identified as compound heterozygous.